The following is an entry in ClinVar:

ClinVar aggregate classification (germline): Uncertain significance. Review status: criteria provided, multiple submitters, no conflicts (2 of 4 stars). 2 submissions from 2 submitters: Uncertain significance (2). Last evaluated 2024-08-05.

Conditions:
Hereditary cancer-predisposing syndrome. Also called: Tumor predisposition; Hereditary Cancer Syndrome; Hereditary neoplastic syndrome; Neoplastic Syndromes, Hereditary. Identifiers: Orphanet 140162, MedGen C0027672, MeSH D009386, MONDO:0015356.

Allele frequency attached by ClinVar (database versions not stated): gnomAD exomes below 0.00001.
gnomAD v4.1: 1 of 1,614,008 alleles (0.000062%); highest among the groups gnomAD compares: Non-Finnish European, 0.000085%; no homozygotes.

Submissions (2):

Labcorp Genetics (formerly Invitae), Labcorp
Classification: Uncertain significance. Last evaluated: 2024-08-05. Review status: criteria provided, single submitter. Criteria: Invitae Variant Classification Sherloc (09022015). Collection method: clinical testing. Allele origin: germline.
Comment: This sequence change replaces cysteine, which is neutral and slightly polar, with phenylalanine, which is neutral and non-polar, at codon 1910 of the POLE protein (p.Cys1910Phe). This variant is not present in population databases (gnomAD no frequency). This variant has not been reported in the literature in individuals affected with POLE-related conditions. ClinVar contains an entry for this variant (Variation ID: 1966031). Advanced modeling of protein sequence and biophysical properties (such as structural, functional, and spatial information, amino acid conservation, physicochemical variation, residue mobility, and thermodynamic stability) performed at Invitae indicates that this missense variant is not expected to disrupt POLE protein function with a negative predictive value of 80%. In summary, the available evidence is currently insufficient to determine the role of this variant in disease. Therefore, it has been classified as a Variant of Uncertain Significance.

Ambry Genetics
Classification: Uncertain significance for Hereditary cancer-predisposing syndrome. Last evaluated: 2024-01-17. Review status: criteria provided, single submitter. Criteria: Ambry Variant Classification Scheme 2023. Collection method: clinical testing. Allele origin: germline.
Comment: The p.C1910F variant (also known as c.5729G>T), located in coding exon 42 of the POLE gene, results from a G to T substitution at nucleotide position 5729. The cysteine at codon 1910 is replaced by phenylalanine, an amino acid with highly dissimilar properties. This amino acid position is conserved. In addition, the in silico prediction for this alteration is inconclusive. Based on the available evidence, the clinical significance of this alteration remains unclear.

NM_006231.4(POLE):c.5729G>T (p.Cys1910Phe)

Gene: POLE (DNA polymerase epsilon, catalytic subunit; minus strand). Cytogenetic location: 12q24.33.
Variant type: single nucleotide variant.
Coding change: c.5729G>T on transcript NM_006231.4 (MANE Select); coding-DNA position 5729, G replaced by T.
Protein change: p.Cys1910Phe; replaces cysteine 1910 with phenylalanine.
Molecular consequence: missense variant.
Genome position (GRCh38, 1-based): chr12:132,635,974, C>A on the plus strand (G>T on the coding strand, the complement: POLE is on the minus strand). VCF-style: chr12-132635974-C-A. GRCh37 (hg19) VCF-style: chr12-133212560-C-A.
Other names: c.5729G>T (NM_006231.2); short protein forms C1910F.
Identifiers: ClinVar variation 1966031 (VCV001966031.6), dbSNP rs1005194290, ClinGen allele CA246297003.